The following is an entry in ClinVar:

NM_001267550.2(TTN):c.49697C>T (p.Thr16566Ile)

Genes: TTN (titin; minus strand), TTN-AS1 (TTN antisense RNA 1; plus strand). Cytogenetic location: 2q31.2.
Variant type: single nucleotide variant.
Coding change: c.49697C>T on transcript NM_001267550.2 (MANE Select); coding-DNA position 49697, C replaced by T.
Protein change: p.Thr16566Ile; replaces threonine 16566 with isoleucine.
Molecular consequence: missense variant.
Genome position (GRCh38, 1-based): chr2:178,613,024, G>A on the plus strand (C>T on the coding strand, the complement: TTN is on the minus strand). VCF-style: chr2-178613024-G-A. GRCh37 (hg19) VCF-style: chr2-179477751-G-A.
Other names: c.44774C>T, p.Thr14925Ile (NM_001256850.1); c.22502C>T, p.Thr7501Ile (NM_003319.4); c.41993C>T, p.Thr13998Ile (NM_133378.4); c.22877C>T, p.Thr7626Ile (NM_133432.3); c.23078C>T, p.Thr7693Ile (NM_133437.4); short protein forms T13998I, T14925I, T16566I, T7501I, T7626I, T7693I.
Identifiers: ClinVar variation 3383731 (VCV003383731.2).
Genomic context (GRCh38, chr2:178,613,024, plus strand): 5'-TAAGACTCAATCTTTGCACCTCCATCATGTTCTGGTTTTGTCCAATTCAACCTTACTGAT[G>A]TTTTGCCTACATCTTTTACAGTTGGTTTTCCAGGGGGCCATGGAGGATCTGCAAGCCAAT-3'
Protein context (NP_001254479.2, residues 16556-16576): GKPTVKDVGK[Thr16566Ile]SVRLNWTKPE

ClinVar aggregate classification (germline): Uncertain significance. Review status: criteria provided, multiple submitters, no conflicts (2 of 4 stars). 2 submissions from 2 submitters: Uncertain significance (2). Last evaluated 2026-06-01.

Conditions:
TTN-related disorder. Also called: TTN-related condition; TTN-related disease; TTN-related disorders.

gnomAD v4.1: 14 of 1,612,760 alleles (0.00087%); highest among the groups gnomAD compares: African/African-American, 0.0013%; no homozygotes.

Submissions (2):

PreventionGenetics, part of Exact Sciences
Classification: Uncertain significance for TTN-related condition. Last evaluated: 2026-06-01. Review status: criteria provided, single submitter. Criteria: ACMG Guidelines, 2015. Collection method: clinical testing. Allele origin: germline.
Comment: The TTN c.49697C>T variant is predicted to result in the amino acid substitution p.Thr16566Ile. To our knowledge, this variant has not been reported in the literature. This variant is reported in 0.0065% of alleles in individuals of African descent in gnomAD. At this time, the clinical significance of this variant is uncertain due to the absence of conclusive functional and genetic evidence.

GeneDx
Classification: Uncertain significance. Last evaluated: 2024-05-29. Review status: criteria provided, single submitter. Criteria: GeneDx Variant Classification Process June 2021. Collection method: clinical testing. Allele origin: germline. Affected: yes.
Comment: Not observed at significant frequency in large population cohorts (gnomAD); Missense variant in a gene in which most reported pathogenic variants are truncating/loss of function; Has not been previously published as pathogenic or benign to our knowledge